The following is an entry in ClinVar:

NM_024408.4(NOTCH2):c.3441G>A (p.Glu1147=)

Gene: NOTCH2 (notch receptor 2; minus strand). Cytogenetic location: 1p12.
Variant type: single nucleotide variant.
Coding change: c.3441G>A on transcript NM_024408.4 (MANE Select); coding-DNA position 3441, G replaced by A.
Protein change: p.Glu1147=; no amino-acid change (glutamic acid 1147 retained).
Molecular consequence: synonymous variant.
Genome position (GRCh38, 1-based): chr1:119,937,363, C>T on the plus strand (G>A on the coding strand, the complement: NOTCH2 is on the minus strand). VCF-style: chr1-119937363-C-T. GRCh37 (hg19) VCF-style: chr1-120479986-C-T.
Other names: c.3441G>A, p.Glu1147= (NM_001200001.2).
Identifiers: ClinVar variation 463173 (VCV000463173.37), dbSNP rs371875533, ClinGen allele CA1040066.

ClinVar aggregate classification (germline): Benign/Likely benign. Review status: criteria provided, multiple submitters, no conflicts (2 of 4 stars). 4 submissions from 4 submitters: Benign (1); Likely benign (3). Last evaluated 2025-12-23.

Conditions:
Hajdu-Cheney syndrome (HJCYS). Also called: Acroosteolysis dominant type; ACROOSTEOLYSIS WITH OSTEOPOROSIS AND CHANGES IN SKULL AND MANDIBLE; SERPENTINE FIBULA-POLYCYSTIC KIDNEY SYNDROME. Identifiers: Orphanet 955, MedGen C0917715, MONDO:0007057, OMIM 102500.

Allele frequency attached by ClinVar (database versions not stated): gnomAD 0.00001 and 0.00010; TOPMed 0.00004; ESP Exome Variant Server 0.00008; gnomAD exomes 0.00015 and 0.00022; ExAC 0.00026; 1000 Genomes Project 30x 0.00047; 1000 Genomes Project 0.00060.
gnomAD v4.1: 243 of 1,614,132 alleles (0.015%); highest among the groups gnomAD compares: South Asian, 0.21%; 2 homozygotes.

Submissions (4):

Labcorp Genetics (formerly Invitae), Labcorp
Classification: Benign for Hajdu-Cheney syndrome. Last evaluated: 2025-12-23. Review status: criteria provided, single submitter. Criteria: Invitae Variant Classification Sherloc (09022015). Collection method: clinical testing. Allele origin: germline.

Blueprint Genetics
Classification: Likely benign. Last evaluated: 2024-11-19. Review status: criteria provided, single submitter. Criteria: ACMG Guidelines, 2015. Collection method: clinical testing. Allele origin: germline.

CeGaT Center for Human Genetics Tuebingen
Classification: Likely benign. Last evaluated: 2024-03-01. Review status: criteria provided, single submitter. Criteria: CeGaT Center For Human Genetics Tuebingen Variant Classification Criteria Version 2. Collection method: clinical testing. Allele origin: germline. Affected: yes. Observed: 1 variant allele.
Comment: NOTCH2: BP4, BS1

Eurofins Ntd Llc (ga)
Classification: Likely benign. Last evaluated: 2017-06-29. Review status: criteria provided, single submitter. Criteria: EGL Classification Definitions 2015. Collection method: clinical testing. Allele origin: germline. Observed: 1 variant allele, 1 homozygote.